The following is an entry in ClinVar:

NM_000038.6(APC):c.3604T>G (p.Ser1202Ala)

Gene: APC (APC regulator of Wnt signaling pathway; plus strand). Cytogenetic location: 5q22.2.
Variant type: single nucleotide variant.
Coding change: c.3604T>G on transcript NM_000038.6 (MANE Select); coding-DNA position 3604, T replaced by G.
Protein change: p.Ser1202Ala; replaces serine 1202 with alanine.
Molecular consequence: missense variant.
Genome position (GRCh38, 1-based): chr5:112,839,198, T>G. VCF-style: chr5-112839198-T-G. GRCh37 (hg19) VCF-style: chr5-112174895-T-G.
Other names: c.3604T>G, p.Ser1202Ala (NM_001127510.3, NM_001354895.2, NM_001407450.1); c.3550T>G, p.Ser1184Ala (NM_001127511.3); c.3658T>G, p.Ser1220Ala (NM_001354896.2, NM_001407447.1, NM_001407448.1 and 1 more transcripts); c.3634T>G, p.Ser1212Ala (NM_001354897.2); c.3529T>G, p.Ser1177Ala (NM_001354898.2); c.3520T>G, p.Ser1174Ala (NM_001354899.2); c.3481T>G, p.Ser1161Ala (NM_001354900.2); c.3427T>G, p.Ser1143Ala (NM_001354901.2, NM_001407453.1); and 11 more; short protein forms S1111A, S1119A, S1143A, S1177A, S818A, S1042A, S1073A, S1192A.
Identifiers: ClinVar variation 1733145 (VCV001733145.9), dbSNP rs766010012, ClinGen allele CA035825.
Genomic context (GRCh38, chr5:112,839,198, plus strand): 5'-AAATATGCCACAGATATTCCTTCATCACAGAAACAGTCATTTTCATTCTCAAAGAGTTCA[T>G]CTGGACAAAGCAGTAAAACCGAACATATGTCTTCAAGCAGTGAGAATACGTCCACACCTT-3'
Protein context (NP_000029.2, residues 1192-1212): KQSFSFSKSS[Ser1202Ala]GQSSKTEHMS

ClinVar aggregate classification (germline): Uncertain significance. Review status: criteria provided, multiple submitters, no conflicts (2 of 4 stars). 2 submissions from 2 submitters: Uncertain significance (2). Last evaluated 2025-12-05.

Conditions:
Hereditary cancer-predisposing syndrome. Also called: Neoplastic Syndromes, Hereditary; Tumor predisposition; Hereditary Cancer Syndrome; Hereditary neoplastic syndrome. Identifiers: Orphanet 140162, MedGen C0027672, MeSH D009386, MONDO:0015356.
Familial adenomatous polyposis 1 (FAP1). Also called: FAMILIAL ADENOMATOUS POLYPOSIS 1, ATTENUATED; POLYPOSIS, ADENOMATOUS INTESTINAL. Identifiers: MedGen C2713442, MONDO:0021056, OMIM 175100. Disease mechanism: loss of function.

Allele frequency attached by ClinVar (database versions not stated): gnomAD exomes below 0.00001; TOPMed below 0.00001; ExAC 0.00001; gnomAD 0.00001.
gnomAD v4.1: 2 of 1,614,040 alleles (0.00012%); highest among the groups gnomAD compares: African/African-American, 0.0027%; no homozygotes.

Submissions (2):

Labcorp Genetics (formerly Invitae), Labcorp
Classification: Uncertain significance for Familial adenomatous polyposis 1. Last evaluated: 2025-12-05. Review status: criteria provided, single submitter. Criteria: Invitae Variant Classification Sherloc (09022015). Collection method: clinical testing. Allele origin: germline.
Comment: This sequence change replaces serine, which is neutral and polar, with alanine, which is neutral and non-polar, at codon 1202 of the APC protein (p.Ser1202Ala). This variant is present in population databases (rs766010012, gnomAD 0.007%). This variant has not been reported in the literature in individuals affected with APC-related conditions. ClinVar contains an entry for this variant (Variation ID: 1733145). Invitae Evidence Modeling of protein sequence and biophysical properties (such as structural, functional, and spatial information, amino acid conservation, physicochemical variation, residue mobility, and thermodynamic stability) indicates that this missense variant is not expected to disrupt APC protein function with a negative predictive value of 95%. In summary, the available evidence is currently insufficient to determine the role of this variant in disease. Therefore, it has been classified as a Variant of Uncertain Significance.

Ambry Genetics
Classification: Uncertain significance for Hereditary cancer-predisposing syndrome. Last evaluated: 2025-10-23. Review status: criteria provided, single submitter. Criteria: Ambry Variant Classification Scheme 2023. Collection method: clinical testing. Allele origin: germline.
Comment: The p.S1202A variant (also known as c.3604T>G), located in coding exon 15 of the APC gene, results from a T to G substitution at nucleotide position 3604. The serine at codon 1202 is replaced by alanine, an amino acid with similar properties. This amino acid position is highly conserved in available vertebrate species. In addition, in silico predictors for this gene do not accurately predict pathogenicity. Missense alterations in APC are not a common cause of disease (Spier I et al. Genet Med. 2024 Feb;26(2):100992). Based on the available evidence, the clinical significance of this variant remains unclear.